The following is an entry in ClinVar:

ClinVar aggregate classification (germline): Conflicting classifications of pathogenicity. Review status: criteria provided, conflicting classifications (1 of 4 stars). 2 submissions from 2 submitters: Uncertain significance (1); Likely benign (1). Last evaluated 2025-11-27.

Conditions:
Dilated cardiomyopathy 1DD (CMD1DD). Identifiers: Orphanet 154, MedGen C2750995, MONDO:0013168, OMIM 613172.
Cardiovascular phenotype. Identifiers: MedGen CN230736.

Allele frequency attached by ClinVar (database versions not stated): gnomAD exomes below 0.00001.
gnomAD v4.1: 6 of 1,551,556 alleles (0.00039%); highest among the groups gnomAD compares: African/African-American, 0.0014%; no homozygotes.

Submissions (2):

Labcorp Genetics (formerly Invitae), Labcorp
Classification: Likely benign for Dilated cardiomyopathy 1DD. Last evaluated: 2025-11-27. Review status: criteria provided, single submitter. Criteria: Invitae Variant Classification Sherloc (09022015). Collection method: clinical testing. Allele origin: germline.

Ambry Genetics
Classification: Uncertain significance for Cardiovascular phenotype. Last evaluated: 2022-07-10. Review status: criteria provided, single submitter. Criteria: Ambry Variant Classification Scheme 2023. Collection method: clinical testing. Allele origin: germline.
Comment: The p.D1141V variant (also known as c.3422A>T), located in coding exon 12 of the RBM20 gene, results from an A to T substitution at nucleotide position 3422. The aspartic acid at codon 1141 is replaced by valine, an amino acid with highly dissimilar properties. This amino acid position is conserved. In addition, the in silico prediction for this alteration is inconclusive. Since supporting evidence is limited at this time, the clinical significance of this alteration remains unclear.

NM_001134363.3(RBM20):c.3422A>T (p.Asp1141Val)

Gene: RBM20 (RNA binding motif protein 20; plus strand). Cytogenetic location: 10q25.2.
Variant type: single nucleotide variant.
Coding change: c.3422A>T on transcript NM_001134363.3 (MANE Select); coding-DNA position 3422, A replaced by T.
Protein change: p.Asp1141Val; replaces aspartic acid 1141 with valine.
Molecular consequence: missense variant.
Genome position (GRCh38, 1-based): chr10:110,823,585, A>T. VCF-style: chr10-110823585-A-T. GRCh37 (hg19) VCF-style: chr10-112583343-A-T.
Other names: short protein forms D1141V.
Identifiers: ClinVar variation 1731285 (VCV001731285.7), dbSNP rs1287531190, ClinGen allele CA378384260.